The following is an entry in ClinVar:

ClinVar aggregate classification (germline): Likely benign (1 of 4 stars; one submission).

Allele frequency attached by ClinVar (database versions not stated): gnomAD exomes 0.00002; ExAC 0.00003; TOPMed 0.00003; ESP Exome Variant Server 0.00008.
gnomAD v4.1: 27 of 1,604,266 alleles (0.0017%); highest among the groups gnomAD compares: Middle Eastern, 0.016%; no homozygotes.

Submission:

CeGaT Center for Human Genetics Tuebingen
Classification: Likely benign. Last evaluated: 2023-03-01. Review status: criteria provided, single submitter. Criteria: CeGaT Center For Human Genetics Tuebingen Variant Classification Criteria Version 2. Collection method: clinical testing. Allele origin: germline. Affected: yes. Observed: 1 variant allele.
Comment: FIP1L1: BP4, BP7

NM_030917.4(FIP1L1):c.810G>A (p.Pro270=)

Gene: FIP1L1 (factor interacting with PAPOLA and CPSF1; plus strand). Cytogenetic location: 4q12.
Variant type: single nucleotide variant.
Coding change: c.810G>A on transcript NM_030917.4 (MANE Select); coding-DNA position 810, G replaced by A.
Protein change: p.Pro270=; no amino-acid change (proline 270 retained).
Molecular consequence: synonymous variant. On other transcripts: non-coding transcript variant (3).
Genome position (GRCh38, 1-based): chr4:53,399,834, G>A. VCF-style: chr4-53399834-G-A. GRCh37 (hg19) VCF-style: chr4-54266001-G-A.
Other names: c.765G>A, p.Pro255= (NM_001134937.2, NM_001376750.1, NM_001376769.1 and 4 more transcripts); c.696G>A, p.Pro232= (NM_001134938.2, NM_001376757.1, NM_001376758.1 and 5 more transcripts); c.810G>A, p.Pro270= (NM_001376744.1, NM_001376745.1, NM_001376759.1 and 2 more transcripts); c.804G>A, p.Pro268= (NM_001376746.1, NM_001376761.1); c.741G>A, p.Pro247= (NM_001376747.1, NM_001376748.1, NM_001376749.1 and 9 more transcripts); c.735G>A, p.Pro245= (NM_001376751.1, NM_001376777.1); c.738G>A, p.Pro246= (NM_001376755.1); c.690G>A, p.Pro230= (NM_001376762.1, NM_001376764.1, NM_001376768.1 and 3 more transcripts); and 3 more.
Identifiers: ClinVar variation 2654755 (VCV002654755.24), dbSNP rs149817693, ClinGen allele CA2920708.